The following is an entry in ClinVar:

NM_014727.3(KMT2B):c.2432A>T (p.Gln811Leu)

Gene: KMT2B (lysine methyltransferase 2B; plus strand). Cytogenetic location: 19q13.12.
Variant type: single nucleotide variant.
Coding change: c.2432A>T on transcript NM_014727.3 (MANE Select); coding-DNA position 2432, A replaced by T.
Protein change: p.Gln811Leu; replaces glutamine 811 with leucine.
Molecular consequence: missense variant.
Genome position (GRCh38, 1-based): chr19:35,721,779, A>T. VCF-style: chr19-35721779-A-T. GRCh37 (hg19) VCF-style: chr19-36212681-A-T.
Other names: short protein forms Q811L.
Identifiers: ClinVar variation 3769946 (VCV003769946.1).

ClinVar aggregate classification (germline): Uncertain significance (1 of 4 stars; one submission).

Submission:

GeneDx
Classification: Uncertain significance. Last evaluated: 2024-09-06. Review status: criteria provided, single submitter. Criteria: GeneDx Variant Classification Process June 2021. Collection method: clinical testing. Allele origin: germline. Affected: yes.
Comment: Not observed at significant frequency in large population cohorts (gnomAD); In silico analysis supports that this missense variant has a deleterious effect on protein structure/function; Has not been previously published as pathogenic or benign to our knowledge